The following is an entry in ClinVar:

ClinVar aggregate classification (germline): Uncertain significance (1 of 4 stars; one submission).

Conditions:
FG syndrome (FGS). Identifiers: MedGen C0220769, MONDO:0002010.

Submission:

Labcorp Genetics (formerly Invitae), Labcorp
Classification: Uncertain significance for FG syndrome. Last evaluated: 2025-11-28. Review status: criteria provided, single submitter. Criteria: Invitae Variant Classification Sherloc (09022015). Collection method: clinical testing. Allele origin: germline.
Comment: This sequence change replaces threonine, which is neutral and polar, with alanine, which is neutral and non-polar, at codon 2020 of the MED12 protein (p.Thr2020Ala). This variant is not present in population databases (gnomAD no frequency). This variant has not been reported in the literature in individuals affected with MED12-related conditions. Invitae Evidence Modeling of protein sequence and biophysical properties (such as structural, functional, and spatial information, amino acid conservation, physicochemical variation, residue mobility, and thermodynamic stability) indicates that this missense variant is not expected to disrupt MED12 protein function with a negative predictive value of 95%. Algorithms developed to predict the effect of sequence changes on RNA splicing suggest that this variant may create or strengthen a splice site. In summary, the available evidence is currently insufficient to determine the role of this variant in disease. Therefore, it has been classified as a Variant of Uncertain Significance.

NM_005120.3(MED12):c.6058A>G (p.Thr2020Ala)

Gene: MED12 (mediator complex subunit 12; plus strand). Cytogenetic location: Xq13.1.
Variant type: single nucleotide variant.
Coding change: c.6058A>G on transcript NM_005120.3 (MANE Select); coding-DNA position 6058, A replaced by G.
Protein change: p.Thr2020Ala; replaces threonine 2020 with alanine.
Molecular consequence: missense variant.
Genome position (GRCh38, 1-based): chrX:71,140,648, A>G. VCF-style: chrX-71140648-A-G. GRCh37 (hg19) VCF-style: chrX-70360498-A-G.
Other names: short protein forms T2020A.
Identifiers: ClinVar variation 4801087 (VCV004801087.1).
Genomic context (GRCh38, chrX:71,140,648, plus strand): 5'-TCCTCACCTCCCTCATGCCTTGACCTCTGACCCTCTTATCTTTGGAGGTTTTCACACCAG[A>G]CACTGCAGCAGACACCCATGATAAGTACCATGACTCCAATGAGTGCCCAGGGCGTCCAGG-3'
Protein context (NP_005111.2, residues 2010-2030): LTSTQRFSHQ[Thr2020Ala]LQQTPMISTM